The following is an entry in ClinVar:

NM_052844.4(DYNC2I2):c.1564C>T (p.Arg522Trp)

Gene: DYNC2I2 (dynein 2 intermediate chain 2; minus strand). Cytogenetic location: 9q34.11.
Variant type: single nucleotide variant.
Coding change: c.1564C>T on transcript NM_052844.4 (MANE Select); coding-DNA position 1564, C replaced by T.
Protein change: p.Arg522Trp; replaces arginine 522 with tryptophan.
Molecular consequence: missense variant.
Genome position (GRCh38, 1-based): chr9:128,633,791, G>A on the plus strand (C>T on the coding strand, the complement: DYNC2I2 is on the minus strand). VCF-style: chr9-128633791-G-A. GRCh37 (hg19) VCF-style: chr9-131396070-G-A.
Other names: short protein forms R522W.
Identifiers: ClinVar variation 970385 (VCV000970385.7), dbSNP rs368864898, ClinGen allele CA5266157.
Genomic context (GRCh38, chr9:128,633,791, plus strand): 5'-CTCCCGGGACCCCTCAGGCCGCCACCTCTGCTGCCAGGCAGTCCAGGTCCTCAGCTTCCC[G>A]GGGCCCTTGTTCCGTGAACTCTGTGCTCAGCTGCCACACCTTCACTGTGCCCTGGGCATC-3'
Protein context (NP_443076.2, residues 512-532): LSTEFTEQGP[Arg522Trp]EAEDLDCLAA

ClinVar aggregate classification (germline): Uncertain significance. Review status: criteria provided, multiple submitters, no conflicts (2 of 4 stars). 2 submissions from 2 submitters: Uncertain significance (2). Last evaluated 2025-08-29.

Conditions:
Inborn genetic diseases. Identifiers: MedGen C0950123, MeSH D030342.
Short-rib thoracic dysplasia 11 with or without polydactyly (SRTD11). Also called: SHORT-RIB THORACIC DYSPLASIA 11 WITHOUT POLYDACTYLY. Identifiers: Orphanet 474, Orphanet 93271, MedGen C3810200, MONDO:0014287, OMIM 615633.

Allele frequency attached by ClinVar (database versions not stated): 1000 Genomes Project 30x 0.00062; TOPMed 0.00002; gnomAD 0.00003 and 0.00004; ExAC 0.00004; ESP Exome Variant Server 0.00015; 1000 Genomes Project 0.00060.
gnomAD v4.1: 44 of 1,613,538 alleles (0.0027%); highest among the groups gnomAD compares: Middle Eastern, 0.017%; 1 homozygote.

Submissions (2):

Ambry Genetics
Classification: Uncertain significance for Inborn genetic diseases. Last evaluated: 2025-08-29. Review status: criteria provided, single submitter. Criteria: Ambry Variant Classification Scheme 2023. Collection method: clinical testing. Allele origin: germline.

Labcorp Genetics (formerly Invitae), Labcorp
Classification: Uncertain significance for Short-rib thoracic dysplasia 11 with or without polydactyly. Last evaluated: 2024-02-17. Review status: criteria provided, single submitter. Criteria: Invitae Variant Classification Sherloc (09022015). Collection method: clinical testing. Allele origin: germline.
Comment: This sequence change replaces arginine, which is basic and polar, with tryptophan, which is neutral and slightly polar, at codon 522 of the WDR34 protein (p.Arg522Trp). This variant is present in population databases (rs368864898, gnomAD 0.02%). This variant has not been reported in the literature in individuals affected with WDR34-related conditions. ClinVar contains an entry for this variant (Variation ID: 970385). An algorithm developed to predict the effect of missense changes on protein structure and function (PolyPhen-2) suggests that this variant is likely to be disruptive. In summary, the available evidence is currently insufficient to determine the role of this variant in disease. Therefore, it has been classified as a Variant of Uncertain Significance.